The following is an entry in ClinVar:

NM_000059.4(BRCA2):c.8527A>G (p.Asn2843Asp)

Gene: BRCA2 (BRCA2 DNA repair associated; plus strand). Cytogenetic location: 13q13.1.
Variant type: single nucleotide variant.
Coding change: c.8527A>G on transcript NM_000059.4 (MANE Select); coding-DNA position 8527, A replaced by G.
Protein change: p.Asn2843Asp; replaces asparagine 2843 with aspartic acid.
Molecular consequence: missense variant.
Genome position (GRCh38, 1-based): chr13:32,370,995, A>G. VCF-style: chr13-32370995-A-G. GRCh37 (hg19) VCF-style: chr13-32945132-A-G.
Other names: short protein forms N2843D.
Identifiers: ClinVar variation 233431 (VCV000233431.28), dbSNP rs876660403, ClinGen allele CA10579792.
Genomic context (GRCh38, chr13:32,370,995, plus strand): 5'-GTGTGTAACACATTATTACAGTGGATGGAGAAGACATCATCTGGATTATACATATTTCGC[A>G]ATGAAAGAGAGGAAGAAAAGGAAGCAGCAAAATATGTGGAGGCCCAACAAAAGAGACTAG-3'
Protein context (NP_000050.3, residues 2833-2853): KTSSGLYIFR[Asn2843Asp]EREEEKEAAK

ClinVar aggregate classification (germline): Conflicting classifications of pathogenicity. Review status: criteria provided, conflicting classifications (1 of 4 stars). 7 submissions from 7 submitters: Uncertain significance (5); Benign (1); Likely benign (1). Last evaluated 2025-09-28.

Conditions:
BRCA2-related cancer predisposition. Identifiers: MedGen CN377758, MONDO:0700269.
Hereditary cancer-predisposing syndrome. Also called: Tumor predisposition; Hereditary Cancer Syndrome; Hereditary neoplastic syndrome; Neoplastic Syndromes, Hereditary. Identifiers: Orphanet 140162, MedGen C0027672, MeSH D009386, MONDO:0015356.
Hereditary breast ovarian cancer syndrome. Also called: Hereditary breast and ovarian cancer; Breast and ovarian cancer; BRCA1- and BRCA2-Associated Hereditary Breast and Ovarian Cancer; Hereditary breast and ovarian cancer syndrome; Hereditary breast and ovarian cancer syndrome (HBOC); Hereditary breast and/or ovarian cancer syndrome. Identifiers: Orphanet 145, MedGen C0677776, MeSH D061325, MONDO:0003582. Disease mechanism: loss of function.
Breast-ovarian cancer, familial, susceptibility to, 2 (BROVCA2). Also called: BRCA2 Hereditary Breast and Ovarian Cancer. Identifiers: Orphanet 145, MedGen C2675520, MONDO:0012933, OMIM 612555. Disease mechanism: loss of function.

Allele frequency attached by ClinVar (database versions not stated): gnomAD exomes below 0.00001; TOPMed below 0.00001; gnomAD 0.00001.
gnomAD v4.1: 3 of 1,614,042 alleles (0.00019%); highest among the groups gnomAD compares: Non-Finnish European, 0.00025%; no homozygotes.

Submissions (7):

Labcorp Genetics (formerly Invitae), Labcorp
Classification: Uncertain significance for Hereditary breast ovarian cancer syndrome. Last evaluated: 2025-09-28. Review status: criteria provided, single submitter. Criteria: Invitae Variant Classification Sherloc (09022015). Collection method: clinical testing. Allele origin: germline.
Comment: This sequence change replaces asparagine, which is neutral and polar, with aspartic acid, which is acidic and polar, at codon 2843 of the BRCA2 protein (p.Asn2843Asp). This variant is present in population databases (no rsID available, gnomAD 0.0009%). This missense change has been observed in individual(s) with breast cancer (PMID: 21218378). ClinVar contains an entry for this variant (Variation ID: 233431). Invitae Evidence Modeling of protein sequence and biophysical properties (such as structural, functional, and spatial information, amino acid conservation, physicochemical variation, residue mobility, and thermodynamic stability) indicates that this missense variant is not expected to disrupt BRCA2 protein function with a negative predictive value of 95%. In summary, the available evidence is currently insufficient to determine the role of this variant in disease. Therefore, it has been classified as a Variant of Uncertain Significance.

Ambry Genetics
Classification: Benign for Hereditary cancer-predisposing syndrome. Last evaluated: 2025-05-19. Review status: criteria provided, single submitter. Criteria: Ambry Variant Classification Scheme 2023. Collection method: clinical testing. Allele origin: germline.

Myriad Genetics, Inc.
Classification: Likely benign for Breast-ovarian cancer, familial, susceptibility to, 2. Last evaluated: 2025-01-10. Review status: criteria provided, single submitter. Criteria: Myriad Autosomal Dominant, Autosomal Recessive and X-Linked Classification Criteria (2023). Collection method: clinical testing. Allele origin: unknown.
Comment: This variant is considered likely benign. This variant is strongly associated with less severe personal and family histories of cancer, typical for individuals without pathogenic variants in this gene [PMID: 25085752].

All of Us Research Program, National Institutes of Health
Classification: Uncertain significance for BRCA2-related cancer predisposition. Last evaluated: 2024-07-10. Review status: criteria provided, single submitter. Criteria: ACMG Guidelines, 2015. Collection method: clinical testing. Allele origin: germline. Inheritance: Autosomal dominant inheritance. Observed: 3 variant alleles, 3 heterozygotes.
Comment: This missense variant replaces asparagine with aspartic acid at codon 2843 of the BRCA2 protein. Computational prediction tool suggests that this variant may not impact protein structure and function (internally defined REVEL score threshold <= 0.5, PMID: 27666373). Splice site prediction tools suggest that this variant may not impact RNA splicing. To our knowledge, functional studies have not been performed for this variant. This variant has been reported in an individual affected with breast cancer (PMID: 21218378). This variant has also been identified in 1/251166 chromosomes in the general population by the Genome Aggregation Database (gnomAD). The available evidence is insufficient to determine the role of this variant in disease conclusively. Therefore, this variant is classified as a Variant of Uncertain Significance.

This study involves interpretation of variants in research participants for the purpose of population health screening. Participant phenotype was not available at the time of variant classification. Additional details can be found in publication PMID: 35346344, PMCID: PMC8962531

Color Diagnostics, LLC DBA Color Health
Classification: Uncertain significance for Hereditary cancer-predisposing syndrome. Last evaluated: 2023-08-31. Review status: criteria provided, single submitter. Criteria: ACMG Guidelines, 2015. Collection method: clinical testing. Allele origin: germline.
Comment: This missense variant replaces asparagine with aspartic acid at codon 2843 of the BRCA2 protein. Computational prediction suggests that this variant may not impact protein structure and function (internally defined REVEL score threshold <= 0.5, PMID: 27666373). To our knowledge, functional studies have not been reported for this variant. This variant has been reported in an individual affected with breast cancer and an individual affected with ovarian cancer (PMID: 21218378, 35382848). This variant has been identified in 1/251166 chromosomes in the general population by the Genome Aggregation Database (gnomAD). The available evidence is insufficient to determine the role of this variant in disease conclusively. Therefore, this variant is classified as a Variant of Uncertain Significance.

Quest Diagnostics Nichols Institute San Juan Capistrano
Classification: Uncertain significance. Last evaluated: 2019-05-07. Review status: criteria provided, single submitter. Criteria: Quest Diagnostics criteria. Collection method: clinical testing. Allele origin: germline.

GeneDx
Classification: Uncertain significance. Last evaluated: 2017-02-12. Review status: criteria provided, single submitter. Criteria: GeneDx Variant Classification (06012015). Collection method: clinical testing. Allele origin: germline. Affected: yes.
Comment: This variant is denoted BRCA2 c.8527A>G at the cDNA level, p.Asn2843Asp (N2843D) at the protein level, and results in the change of an Asparagine to an Aspartic Acid (AAT>GAT). Using alternate nomenclature, this variant would be defined as BRCA2 8755A>G. This variant has been observed in at least one individual with breast cancer (Carney 2010). BRCA2 Asn2843Asp was not observed in approximately 6,500 individuals of European and African American ancestry in the NHLBI Exome Sequencing Project, suggesting it is not a common benign variant in these populations. Since Asparagine and Aspartic Acid differ in some properties, this is considered a semi-conservative amino acid substitution. BRCA2 Asn2843Asp occurs at a position that is not conserved and is located in the DNA binding domain (Yang 2002). In silico analyses are inconsistent regarding the effect this variant may have on protein structure and function. Based on currently available evidence, it is unclear whether BRCA2 Asn2843Asp is a pathogenic or benign variant. We consider it to be a variant of uncertain significance.

Literature cited by the submitters: PubMed 21218378 (cited by 5 submitters); PubMed 35382848 (cited by Ambry Genetics and Color Diagnostics, LLC DBA Color Health); PubMed 25085752 (cited by Myriad Genetics, Inc.).